The following is an entry in ClinVar:

NM_000257.4(MYH7):c.2323G>A (p.Glu775Lys)

Genes: MYH7 (myosin heavy chain 7; minus strand), LOC126861898 (BRD4-independent group 4 enhancer GRCh37_chr14:23893609-23894808; plus strand). Cytogenetic location: 14q11.2.
Variant type: single nucleotide variant.
Coding change: c.2323G>A on transcript NM_000257.4 (MANE Select); coding-DNA position 2323, G replaced by A.
Protein change: p.Glu775Lys; replaces glutamic acid 775 with lysine.
Molecular consequence: missense variant.
Genome position (GRCh38, 1-based): chr14:23,425,382, C>T on the plus strand (G>A on the coding strand, the complement: MYH7 is on the minus strand). VCF-style: chr14-23425382-C-T. GRCh37 (hg19) VCF-style: chr14-23894591-C-T.
Other names: short protein forms E775K.
Identifiers: ClinVar variation 1378040 (VCV001378040.6), dbSNP rs2138667243, ClinGen allele CA389048655.

ClinVar aggregate classification (germline): Likely pathogenic (1 of 4 stars; one submission).

Conditions:
Hypertrophic cardiomyopathy. Also called: HYPERTROPHIC MYOCARDIOPATHY. Identifiers: Orphanet 217569, MedGen C0007194, MeSH D002312, MONDO:0005045, HP:0001639.

Submission:

Labcorp Genetics (formerly Invitae), Labcorp
Classification: Likely pathogenic for Hypertrophic cardiomyopathy. Last evaluated: 2023-03-23. Review status: criteria provided, single submitter. Criteria: Invitae Variant Classification Sherloc (09022015). Collection method: clinical testing. Allele origin: germline.
Comment: This sequence change replaces glutamic acid, which is acidic and polar, with lysine, which is basic and polar, at codon 775 of the MYH7 protein (p.Glu775Lys). This variant is not present in population databases (gnomAD no frequency). This missense change has been observed in individual(s) with left ventricular noncompaction (Invitae). It has also been observed to segregate with disease in related individuals. ClinVar contains an entry for this variant (Variation ID: 1378040). Advanced modeling of protein sequence and biophysical properties (such as structural, functional, and spatial information, amino acid conservation, physicochemical variation, residue mobility, and thermodynamic stability) performed at Invitae indicates that this missense variant is expected to disrupt MYH7 protein function. In summary, the currently available evidence indicates that the variant is pathogenic, but additional data are needed to prove that conclusively. Therefore, this variant has been classified as Likely Pathogenic.